The following is an entry in ClinVar:

NM_020923.3(ZDBF2):c.6020C>G (p.Ala2007Gly)

Gene: ZDBF2 (zinc finger DBF-type containing 2; plus strand). Cytogenetic location: 2q33.3.
Variant type: single nucleotide variant.
Coding change: c.6020C>G on transcript NM_020923.3 (MANE Select); coding-DNA position 6020, C replaced by G.
Protein change: p.Ala2007Gly; replaces alanine 2007 with glycine.
Molecular consequence: missense variant.
Genome position (GRCh38, 1-based): chr2:206,310,548, C>G. VCF-style: chr2-206310548-C-G. GRCh37 (hg19) VCF-style: chr2-207175272-C-G.
Other names: c.6014C>G, p.Ala2005Gly (NM_001285549.2); c.6020C>G, p.Ala2007Gly (NM_001369654.1); short protein forms A2007G, A2005G.
Identifiers: ClinVar variation 2699084 (VCV002699084.3), dbSNP rs2470632583, ClinGen allele CA350074684.

ClinVar aggregate classification (germline): Uncertain significance (1 of 4 stars; one submission).

Submission:

Labcorp Genetics (formerly Invitae), Labcorp
Classification: Uncertain significance. Last evaluated: 2023-11-25. Review status: criteria provided, single submitter. Criteria: Invitae Variant Classification Sherloc (09022015). Collection method: clinical testing. Allele origin: germline.
Comment: This sequence change replaces alanine, which is neutral and non-polar, with glycine, which is neutral and non-polar, at codon 2007 of the ZDBF2 protein (p.Ala2007Gly). This variant is not present in population databases (gnomAD no frequency). This variant has not been reported in the literature in individuals affected with ZDBF2-related conditions. An algorithm developed to predict the effect of missense changes on protein structure and function (PolyPhen-2) suggests that this variant is likely to be tolerated. In summary, the available evidence is currently insufficient to determine the role of this variant in disease. Therefore, it has been classified as a Variant of Uncertain Significance.